The following is an entry in ClinVar:

ClinVar aggregate classification (germline): Uncertain significance. Review status: criteria provided, multiple submitters, no conflicts (2 of 4 stars). 3 submissions from 3 submitters: Uncertain significance (3). Last evaluated 2022-08-22.

Conditions:
Hereditary cancer-predisposing syndrome. Also called: Neoplastic Syndromes, Hereditary; Hereditary Cancer Syndrome; Tumor predisposition; Hereditary neoplastic syndrome. Identifiers: Orphanet 140162, MedGen C0027672, MeSH D009386, MONDO:0015356.

Submissions (3):

Ambry Genetics
Classification: Uncertain significance for Hereditary cancer-predisposing syndrome. Last evaluated: 2022-08-22. Review status: criteria provided, single submitter. Criteria: Ambry Variant Classification Scheme 2023. Collection method: clinical testing. Allele origin: germline.
Comment: The c.820_821dupGA variant, located in coding exon 3 of the XRCC2 gene, results from a duplication of GA at nucleotide position 820, causing a translational frameshift with a predicted alternate stop codon (p.S275Kfs*23).This alteration occurs at the 3' terminus of the XRCC2 gene, is not expected to trigger nonsense-mediated mRNA decay, and results in the elongation of the protein by 16 amino acids. This frameshift impacts the last 6amino acids of the native protein. The exact functional impact of altered amino acids is unknown at this time. Since supporting evidence is limited at this time, the clinical significance of this alteration remains unclear.

Labcorp Genetics (formerly Invitae), Labcorp
Classification: Uncertain significance. Last evaluated: 2022-04-12. Review status: criteria provided, single submitter. Criteria: Invitae Variant Classification Sherloc (09022015). Collection method: clinical testing. Allele origin: germline.
Comment: In summary, the available evidence is currently insufficient to determine the role of this variant in disease. Therefore, it has been classified as a Variant of Uncertain Significance. Experimental studies and prediction algorithms are not available or were not evaluated, and the functional significance of this variant is currently unknown. This variant has not been reported in the literature in individuals affected with XRCC2-related conditions. This variant is not present in population databases (gnomAD no frequency). This sequence change creates a premature translational stop signal (p.Ser275Lysfs*23) in the XRCC2 gene. While this is not anticipated to result in nonsense mediated decay, it is expected to disrupt the last 6 amino acid(s) of the XRCC2 protein.

GeneDx
Classification: Uncertain significance. Last evaluated: 2017-11-06. Review status: criteria provided, single submitter. Criteria: GeneDx Variant Classification (06012015). Collection method: clinical testing. Allele origin: germline. Affected: yes.
Comment: This duplication of two nucleotides in XRCC2 is denoted c.820_821dupGA at the cDNA level and p.Ser275LysfsX23 (S275KfsX23) at the protein level. The normal sequence, with the bases that are duplicated in brackets, is TGGA[dupGA]AAGT. The duplication causes a frameshift which changes a Serine to a Lysine at codon 275 in the last exon of the gene, and results in an extension of the protein. The last 6 correct amino acids are replaced by 22 incorrect ones, disrupting a region that is not located in a known functional domain. This variant has not, to our knowledge, been published in the literature as pathogenic or benign. Since the clinical significance of this extension is unclear, we consider XRCC2 c.820_821dupGA to be a variant of uncertain significance.

NM_005431.2(XRCC2):c.820_821dup (p.Ser275fs)

Gene: XRCC2 (X-ray repair cross complementing 2; minus strand). Cytogenetic location: 7q36.1.
Variant type: Microsatellite.
Coding change: c.820_821dup on transcript NM_005431.2 (MANE Select); coding-DNA positions 820 to 821, 2 bases duplicated (GA; older notation c.820_821dupGA).
Protein change: p.Ser275fs; shifts the reading frame from serine 275.
Molecular consequence: frameshift variant.
Genome position (GRCh38, 1-based): chr7:152,648,664-152,648,665, TC duplicated on the plus strand (GA on the coding strand, the reverse complement: XRCC2 is on the minus strand); duplicating any 2 consecutive bases within chr7:152,648,664-152,648,667 gives the same sequence; the c. name uses the placement nearest the transcript's 3' end. VCF-style (leftmost placement, unchanged base first): chr7-152648663-T-TTC. GRCh37 (hg19) VCF-style: chr7-152345748-T-TTC.
Other names: short protein forms S275fs.
Identifiers: ClinVar variation 545838 (VCV000545838.12), dbSNP rs1554410400, ClinGen allele CA658823261.